The following is an entry in ClinVar:

ClinVar aggregate classification (germline): Uncertain significance (1 of 4 stars; one submission).

Submission:

GeneDx
Classification: Uncertain significance. Last evaluated: 2024-12-20. Review status: criteria provided, single submitter. Criteria: GeneDx Variant Classification Process June 2021. Collection method: clinical testing. Allele origin: germline. Affected: yes.
Comment: Not observed at significant frequency in large population cohorts (gnomAD); In silico analysis supports that this missense variant has a deleterious effect on protein structure/function; Has not been previously published as pathogenic or benign to our knowledge

NM_001349253.2(SCN11A):c.1261T>C (p.Phe421Leu)

Gene: SCN11A (sodium voltage-gated channel alpha subunit 11; minus strand). Cytogenetic location: 3p22.2.
Variant type: single nucleotide variant.
Coding change: c.1261T>C on transcript NM_001349253.2 (MANE Select); coding-DNA position 1261, T replaced by C.
Protein change: p.Phe421Leu; replaces phenylalanine 421 with leucine.
Molecular consequence: missense variant.
Genome position (GRCh38, 1-based): chr3:38,909,035, A>G on the plus strand (T>C on the coding strand, the complement: SCN11A is on the minus strand). VCF-style: chr3-38909035-A-G. GRCh37 (hg19) VCF-style: chr3-38950526-A-G.
Other names: c.1261T>C, p.Phe421Leu (NM_014139.3); short protein forms F421L.
Identifiers: ClinVar variation 3906517 (VCV003906517.1).